The following is an entry in ClinVar:

ClinVar aggregate classification (germline): Pathogenic (1 of 4 stars; one submission).

Conditions:
Inborn genetic diseases. Identifiers: MedGen C0950123, MeSH D030342.

Submission:

Ambry Genetics
Classification: Pathogenic for Inborn genetic diseases. Last evaluated: 2025-04-02. Review status: criteria provided, single submitter. Criteria: Ambry Variant Classification Scheme 2023. Collection method: clinical testing. Allele origin: germline.
Comment: The c.84dupC (p.G29Rfs*85) alteration, located in exon 1 (coding exon 1) of the PKD1 gene, consists of a duplication of C at position 84, causing a translational frameshift with a predicted alternate stop codon after 85 amino acids. This alteration is expected to result in loss of function by premature protein truncation or nonsense-mediated mRNA decay. This variant was not reported in population-based cohorts in the Genome Aggregation Database (gnomAD). Based on the available evidence, this alteration is classified as pathogenic.

NM_001009944.3(PKD1):c.84dup (p.Gly29fs)

Gene: PKD1 (polycystin 1, transient receptor potential channel interacting; minus strand). Cytogenetic location: 16p13.3.
Variant type: Duplication.
Coding change: c.84dup on transcript NM_001009944.3 (MANE Select); coding-DNA position 84, one base duplicated (C; older notation c.84dupC).
Protein change: p.Gly29fs; shifts the reading frame from glycine 29.
Molecular consequence: frameshift variant.
Genome position (GRCh38, 1-based): chr16:2,135,606, G duplicated on the plus strand (C on the coding strand, the reverse complement: PKD1 is on the minus strand). VCF-style (leftmost placement, unchanged base first): chr16-2135605-C-CG. GRCh37 (hg19) VCF-style: chr16-2185606-C-CG.
Other names: c.84dup, p.Gly29fs (NM_000296.4); short protein forms G29fs.
Identifiers: ClinVar variation 3932831 (VCV003932831.1).
Genomic context (GRCh38, chr16:2,135,605, plus strand): 5'-CGCGGCAGGCGGCGCCGGGCGCTGGGCCGCAGAGGCAGGGGGGCTCGCAGGGCCCGCAGC[C>CG]GCGCCCGGGGCCCCCCGCCAGCGCCCCGAGCCACAGGCCCAGGCCCAGGGCCAGCGCCAG-3'